The following is an entry in ClinVar:

ClinVar aggregate classification (germline): Likely pathogenic (1 of 4 stars; one submission).

Conditions:
Autosomal recessive nonsyndromic hearing loss 30. Identifiers: Orphanet 90636, MedGen C1846784, MONDO:0011774, OMIM 607101.

Submission:

Juno Genomics, Hangzhou Juno Genomics, Inc
Classification: Likely pathogenic for Autosomal recessive nonsyndromic hearing loss 30. Review status: criteria provided, single submitter. Criteria: ACMG Guidelines, 2015. Collection method: clinical testing. Allele origin: germline. Affected: yes.
Comment: Absent from controls (or at extremely low frequency if recessive) in Genome Aggregation Database, Exome Sequencing Project, 1000 Genomes Project, or Exome Aggregation Consortium.;Null variant in a gene where loss of function (LOF) is a known mechanism of disease.

NM_017433.5(MYO3A):c.2260C>T (p.Gln754Ter)

Gene: MYO3A (myosin IIIA; plus strand). Cytogenetic location: 10p12.1.
Variant type: single nucleotide variant.
Coding change: c.2260C>T on transcript NM_017433.5 (MANE Select); coding-DNA position 2260, C replaced by T.
Protein change: p.Gln754Ter; replaces glutamine 754 with a stop codon.
Molecular consequence: nonsense.
Genome position (GRCh38, 1-based): chr10:26,128,536, C>T. VCF-style: chr10-26128536-C-T. GRCh37 (hg19) VCF-style: chr10-26417465-C-T.
Other names: short protein forms Q754*.
Identifiers: ClinVar variation 3382343 (VCV003382343.2).